The following is an entry in ClinVar:

NM_001267550.2(TTN):c.7628C>G (p.Thr2543Ser)

Gene: TTN (titin; minus strand). Cytogenetic location: 2q31.2.
Variant type: single nucleotide variant.
Coding change: c.7628C>G on transcript NM_001267550.2 (MANE Select); coding-DNA position 7628, C replaced by G.
Protein change: p.Thr2543Ser; replaces threonine 2543 with serine.
Molecular consequence: missense variant.
Genome position (GRCh38, 1-based): chr2:178,773,336, G>C on the plus strand (C>G on the coding strand, the complement: TTN is on the minus strand). VCF-style: chr2-178773336-G-C. GRCh37 (hg19) VCF-style: chr2-179638063-G-C.
Other names: p.T2543S:ACC>AGC; p.Thr2543Ser; c.7628C>G, p.Thr2543Ser (NM_001256850.1, NM_133378.4, NM_133379.5); c.7490C>G, p.Thr2497Ser (NM_003319.4, NM_133432.3, NM_133437.4); c.7628C>G (NM_001267550.1); short protein forms T2543S, T2497S.
Identifiers: ClinVar variation 202343 (VCV000202343.9), dbSNP rs765136135, ClinGen allele CA309149.

ClinVar aggregate classification (germline): Conflicting classifications of pathogenicity. Review status: criteria provided, conflicting classifications (1 of 4 stars). 6 submissions from 6 submitters: Uncertain significance (5); Likely benign (1). Last evaluated 2025-09-23.

Conditions:
TTN-related disorder. Also called: TTN-related condition; TTN-related disease; TTN-related disorders.
Cardiovascular phenotype. Identifiers: MedGen CN230736.
Dilated cardiomyopathy 1G (CMD1G). Identifiers: Orphanet 154, MedGen C1858763, MONDO:0011400, OMIM 604145.
Autosomal recessive limb-girdle muscular dystrophy type 2J (LGMDR10). Also called: Limb-girdle muscular dystrophy, type 2J; MUSCULAR DYSTROPHY, LIMB-GIRDLE, AUTOSOMAL RECESSIVE 10. Identifiers: Orphanet 140922, MedGen C1837342, MONDO:0012127, OMIM 608807.
Sudden cardiac arrest. Identifiers: MedGen C1720824, MONDO:0100511, MONDO:0007264.

Allele frequency attached by ClinVar (database versions not stated): TOPMed 0.00011.
gnomAD v4.1: 24 of 1,613,822 alleles (0.0015%); highest among the groups gnomAD compares: African/African-American, 0.031%; no homozygotes.

Submissions (6):

PreventionGenetics, part of Exact Sciences
Classification: Uncertain significance for TTN-related condition. Last evaluated: 2025-09-23. Review status: criteria provided, single submitter. Criteria: ACMG Guidelines, 2015. Collection method: clinical testing. Allele origin: germline.
Comment: The TTN c.7628C>G variant is predicted to result in the amino acid substitution p.Thr2543Ser. To our knowledge, this variant has not been reported in the literature. This variant is reported in 0.033% of alleles in individuals of African descent in gnomAD. At this time, the clinical significance of this variant is uncertain due to the absence of conclusive functional and genetic evidence.

Mayo Clinic Laboratories, Mayo Clinic
Classification: Uncertain significance. Last evaluated: 2025-07-22. Review status: criteria provided, single submitter. Criteria: ACMG Guidelines, 2015. Collection method: clinical testing. Allele origin: germline. Observed: 1 variant allele.
Comment: BP4, PM2_supporting

GeneDx
Classification: Uncertain significance. Last evaluated: 2024-04-25. Review status: criteria provided, single submitter. Criteria: GeneDx Variant Classification Process June 2021. Collection method: clinical testing. Allele origin: germline. Affected: yes.
Comment: Has not been previously published as pathogenic or benign to our knowledge; In silico analysis is inconclusive as to whether the variant alters gene splicing. In the absence of RNA/functional studies, the actual effect of this sequence change is unknown.

Center for Advanced Laboratory Medicine, UC San Diego Health, University of California San Diego
Classification: Likely benign for Sudden cardiac arrest. Last evaluated: 2019-03-15. Review status: criteria provided, single submitter. Criteria: ACMG Guidelines, 2015. Collection method: clinical testing. Allele origin: germline. Affected: yes. Observed: 2 variant alleles.

Ambry Genetics
Classification: Uncertain significance for Cardiovascular phenotype. Last evaluated: 2019-01-18. Review status: criteria provided, single submitter. Criteria: Ambry Variant Classification Scheme 2023. Collection method: clinical testing. Allele origin: germline.
Comment: The p.T2497S variant (also known as c.7490C>G), located in coding exon 31 of the TTN gene, results from a C to G substitution at nucleotide position 7490. The threonine at codon 2497 is replaced by serine, an amino acid with similar properties. This amino acid position is not well conserved in available vertebrate species, and serine is the reference amino acid in other vertebrate species. In addition, this alteration is predicted to be tolerated by in silico analysis. Since supporting evidence is limited at this time, the clinical significance of this alteration remains unclear.

Labcorp Genetics (formerly Invitae), Labcorp
Classification: Uncertain significance for Dilated cardiomyopathy 1G; Autosomal recessive limb-girdle muscular dystrophy type 2J. Last evaluated: 2017-12-04. Review status: criteria provided, single submitter. Criteria: Invitae Variant Classification Sherloc (09022015). Collection method: clinical testing. Allele origin: germline.